The following is an entry in ClinVar:

ClinVar aggregate classification (germline): Uncertain significance (1 of 4 stars; one submission).

Submission:

GeneDx
Classification: Uncertain significance. Last evaluated: 2024-03-07. Review status: criteria provided, single submitter. Criteria: GeneDx Variant Classification Process June 2021. Collection method: clinical testing. Allele origin: germline. Affected: yes.
Comment: Not observed at significant frequency in large population cohorts (gnomAD); In silico analysis supports that this missense variant has a deleterious effect on protein structure/function; Has not been previously published as pathogenic or benign to our knowledge

NM_001378457.1(DMXL2):c.890A>T (p.His297Leu)

Gene: DMXL2 (Dmx like 2; minus strand). Cytogenetic location: 15q21.2.
Variant type: single nucleotide variant.
Coding change: c.890A>T on transcript NM_001378457.1 (MANE Select); coding-DNA position 890, A replaced by T.
Protein change: p.His297Leu; replaces histidine 297 with leucine.
Molecular consequence: missense variant. On other transcripts: non-coding transcript variant (2).
Genome position (GRCh38, 1-based): chr15:51,545,623, T>A on the plus strand (A>T on the coding strand, the complement: DMXL2 is on the minus strand). VCF-style: chr15-51545623-T-A. GRCh37 (hg19) VCF-style: chr15-51837820-T-A.
Other names: c.890A>T, p.His297Leu (NM_001174116.3, NM_001174117.3, NM_001378458.1 and 7 more transcripts); short protein forms H297L.
Identifiers: ClinVar variation 3373648 (VCV003373648.1).